The following is an entry in ClinVar:

ClinVar aggregate classification (germline): Uncertain significance (1 of 4 stars; one submission).

Conditions:
ITGA2B-related disorder. Also called: ITGA2B-related disorders; ITGA2B-related condition.

gnomAD v4.1: 2 of 1,614,136 alleles (0.00012%); highest among the groups gnomAD compares: South Asian, 0.0022%; no homozygotes.

Submission:

PreventionGenetics, part of Exact Sciences
Classification: Uncertain significance for ITGA2B-related condition. Last evaluated: 2026-09-15. Review status: criteria provided, single submitter. Criteria: ACMG Guidelines, 2015. Collection method: clinical testing. Allele origin: germline.
Comment: The ITGA2B c.1542C>T variant is not predicted to result in an amino acid change (p.=). This variant is predicted to alter splicing based on available splicing prediction programs (SpliceAI, Jaganathan et al. 2019. PubMed ID: 30661751). However, the use of computer prediction programs is not equivalent to functional evidence. To our knowledge, this variant has not been reported in the literature. This variant is reported in 0.0033% of alleles in individuals of South Asian descent in gnomAD. At this time, the clinical significance of this variant is uncertain due to the absence of conclusive functional and genetic evidence.

NM_000419.5(ITGA2B):c.1542C>T (p.Ser514=)

Gene: ITGA2B (integrin subunit alpha 2b; minus strand). Cytogenetic location: 17q21.31.
Variant type: single nucleotide variant.
Coding change: c.1542C>T on transcript NM_000419.5 (MANE Select); coding-DNA position 1542, C replaced by T.
Protein change: p.Ser514=; no amino-acid change (serine 514 retained).
Molecular consequence: synonymous variant.
Genome position (GRCh38, 1-based): chr17:44,380,388, G>A on the plus strand (C>T on the coding strand, the complement: ITGA2B is on the minus strand). VCF-style: chr17-44380388-G-A. GRCh37 (hg19) VCF-style: chr17-42457756-G-A.
Identifiers: ClinVar variation 4983212 (VCV004983212.1).